The following is an entry in ClinVar:

ClinVar aggregate classification (germline): Benign/Likely benign. Review status: criteria provided, multiple submitters, no conflicts (2 of 4 stars). 3 submissions from 3 submitters: Benign (1); Likely benign (2). Last evaluated 2025-03-24.

Conditions:
Juvenile polyposis syndrome (JPS). Identifiers: Orphanet 2929, MedGen C0345893, MONDO:0017380, OMIM 174900.
Familial thoracic aortic aneurysm and aortic dissection (TAAD). Also called: Thoracic aortic aneurysms and dissections. Identifiers: Orphanet 91387, MedGen C4707243, MONDO:0019625.
Hereditary cancer-predisposing syndrome. Also called: Neoplastic Syndromes, Hereditary; Hereditary neoplastic syndrome; Hereditary Cancer Syndrome; Tumor predisposition. Identifiers: Orphanet 140162, MedGen C0027672, MeSH D009386, MONDO:0015356.
Juvenile polyposis/hereditary hemorrhagic telangiectasia syndrome (JPHT). Also called: JP/HHT SYNDROME; JUVENILE POLYPOSIS WITH HEREDITARY HEMORRHAGIC TELANGIECTASIA; POLYPOSIS, GENERALIZED JUVENILE, WITH PULMONARY ARTERIOVENOUS MALFORMATION; TELANGIECTASIA, HEREDITARY HEMORRHAGIC, WITH JUVENILE POLYPOSIS COLI; Juvenile Polyposis Syndrome / Hereditary Hemorrhagic Telangiectasia (JPS/HHT). Identifiers: Orphanet 2929, MedGen C1832942, MONDO:0008278, OMIM 175050.

Submissions (3):

Myriad Genetics, Inc.
Classification: Benign for Juvenile polyposis/hereditary hemorrhagic telangiectasia syndrome. Last evaluated: 2025-03-24. Review status: criteria provided, single submitter. Criteria: Myriad Autosomal Dominant, Autosomal Recessive and X-Linked Classification Criteria (2023). Collection method: clinical testing. Allele origin: unknown.
Comment: This variant is considered benign. This variant is a silent/synonymous amino acid change and it is not expected to impact splicing.

Labcorp Genetics (formerly Invitae), Labcorp
Classification: Likely benign for Juvenile polyposis syndrome. Last evaluated: 2023-02-28. Review status: criteria provided, single submitter. Criteria: Invitae Variant Classification Sherloc (09022015). Collection method: clinical testing. Allele origin: germline.

Ambry Genetics
Classification: Likely benign for Hereditary cancer-predisposing syndrome; Familial thoracic aortic aneurysm and aortic dissection. Last evaluated: 2019-07-06. Review status: criteria provided, single submitter. Criteria: Ambry Variant Classification Scheme 2023. Collection method: clinical testing. Allele origin: germline.

NM_005359.6(SMAD4):c.1563A>G (p.Thr521=)

Gene: SMAD4 (SMAD family member 4; plus strand). Cytogenetic location: 18q21.2.
Variant type: single nucleotide variant.
Coding change: c.1563A>G on transcript NM_005359.6 (MANE Select); coding-DNA position 1563, A replaced by G.
Protein change: p.Thr521=; no amino-acid change (threonine 521 retained).
Molecular consequence: synonymous variant.
Genome position (GRCh38, 1-based): chr18:51,078,371, A>G. VCF-style: chr18-51078371-A-G. GRCh37 (hg19) VCF-style: chr18-48604741-A-G.
Identifiers: ClinVar variation 819520 (VCV000819520.14), dbSNP rs1599205437, ClinGen allele CA503874025.